The following is an entry in ClinVar:

NM_001384125.1(BLTP1):c.2423G>A (p.Trp808Ter)

Gene: BLTP1 (bridge-like lipid transfer protein family member 1; plus strand). Cytogenetic location: 4q27.
Variant type: single nucleotide variant.
Coding change: c.2423G>A on transcript NM_001384125.1 (MANE Select); coding-DNA position 2423, G replaced by A.
Protein change: p.Trp808Ter; replaces tryptophan 808 with a stop codon.
Molecular consequence: nonsense.
Genome position (GRCh38, 1-based): chr4:122,219,515, G>A. VCF-style: chr4-122219515-G-A. GRCh37 (hg19) VCF-style: chr4-123140670-G-A.
Other names: c.2423G>A, p.Trp808Ter (NM_015312.4); short protein forms W808*.
Identifiers: ClinVar variation 5006722 (VCV005006722.2).
Genomic context (GRCh38, chr4:122,219,515, plus strand): 5'-ATGACAAAAAGGAAAATGAAGGTTCAGCCAAGTCAATTCATCCACTTGCCTTGCGTCCTT[G>A]GGATATTACTGTACTTGTTAATTTGTACAAAGTTCATGGGCGTCTTCCTGTTGTAAGTGT-3'

ClinVar aggregate classification (germline): Likely pathogenic (1 of 4 stars; one submission).

Conditions:
Alkuraya-Kucinskas syndrome. Identifiers: Orphanet 610569, MedGen C4693347, MONDO:0060631, OMIM 617822.

Submission:

Juno Genomics, Hangzhou Juno Genomics, Inc
Classification: Likely pathogenic for Alkuraya-Kucinskas syndrome. Review status: criteria provided, single submitter. Criteria: ACMG Guidelines, 2015. Collection method: clinical testing. Allele origin: germline.
Comment: Null variant in a gene where loss of function (LOF) is a known mechanism of disease.;Absent from controls (or at extremely low frequency if recessive) in Genome Aggregation Database.